The following is an entry in ClinVar:

ClinVar aggregate classification (germline): Pathogenic (1 of 4 stars; one submission).

Conditions:
Muscular dystrophy-dystroglycanopathy (congenital with brain and eye anomalies), type a, 11 (MDDGA11). Also called: WALKER-WARBURG SYNDROME OR MUSCLE-EYE-BRAIN DISEASE, B3GALNT2-RELATED; Congenital muscular dystrophy-dystroglycanopathy with brain and eye anomalies, type A11; Muscular dystrophy-dystroglycanopathy (congenital with brain and eye anomalies, type A, 11. Identifiers: Orphanet 588, Orphanet 899, MedGen C3554638, MONDO:0014071, OMIM 615181.

Submission:

Labcorp Genetics (formerly Invitae), Labcorp
Classification: Pathogenic for Muscular dystrophy-dystroglycanopathy (congenital with brain and eye anomalies), type a, 11. Last evaluated: 2022-12-30. Review status: criteria provided, single submitter. Criteria: Invitae Variant Classification Sherloc (09022015). Collection method: clinical testing. Allele origin: germline.
Comment: For these reasons, this variant has been classified as Pathogenic. A similar copy number variant has been observed in individual(s) with B3GALNT2-related conditions (Invitae). This variant is a gross deletion of the genomic region encompassing exon(s) 7 of the B3GALNT2 gene. This deletion is out-of-frame, and is expected to create a premature termination codon and result in an absent or disrupted protein product. Loss-of-function variants in B3GALNT2 are known to be pathogenic (PMID: 23453667).

Literature cited by the submitters: PubMed 23453667.

NC_000001.10:g.(?_235628933)_(235629051_?)del

Gene: B3GALNT2 (beta-1,3-N-acetylgalactosaminyltransferase 2; minus strand). Cytogenetic location: 1q42.3.
Variant type: Deletion.
Identifiers: ClinVar variation 1459605 (VCV001459605.6).